The following is an entry in ClinVar:

NM_001267550.2(TTN):c.1364C>T (p.Thr455Met)

Gene: TTN (titin; minus strand). Cytogenetic location: 2q31.2.
Variant type: single nucleotide variant.
Coding change: c.1364C>T on transcript NM_001267550.2 (MANE Select); coding-DNA position 1364, C replaced by T.
Protein change: p.Thr455Met; replaces threonine 455 with methionine.
Molecular consequence: missense variant.
Genome position (GRCh38, 1-based): chr2:178,794,433, G>A on the plus strand (C>T on the coding strand, the complement: TTN is on the minus strand). VCF-style: chr2-178794433-G-A. GRCh37 (hg19) VCF-style: chr2-179659160-G-A.
Other names: c.1364C>T, p.Thr455Met (NM_001256850.1, NM_003319.4, NM_133378.4 and 3 more transcripts); short protein forms T455M.
Identifiers: ClinVar variation 592878 (VCV000592878.18), dbSNP rs368121196, ClinGen allele CA2006076.
Genomic context (GRCh38, chr2:178,794,433, plus strand): 5'-GTGCCCCATGGCAGCCTCGCACGTACCTGTTCTTGAGCAGGTTGGATGTGCACAGCAGTC[G>A]TGGTTGTCCTCTGAGCAGTCTGCTCTACAGCGCTGATCACTGGTTCTCTCACTCTGGCCA-3'
Protein context (NP_001254479.2, residues 445-465): AVEQTAQRTT[Thr455Met]TAVHIQPAQE

ClinVar aggregate classification (germline): Conflicting classifications of pathogenicity. Review status: criteria provided, conflicting classifications (1 of 4 stars). 6 submissions from 6 submitters: Uncertain significance (5); Likely benign (1). Last evaluated 2026-01-05.

Conditions:
Cardiomyopathy (CMYO). Also called: Cardiomyopathies. Identifiers: Orphanet 167848, MedGen C0878544, MONDO:0004994, HP:0001638. Inheritance: Various modes of inheritance.
Cardiovascular phenotype. Identifiers: MedGen CN230736.

Allele frequency attached by ClinVar (database versions not stated): TOPMed 0.00004; ESP Exome Variant Server 0.00008.
gnomAD v4.1: 61 of 1,614,028 alleles (0.0038%); highest among the groups gnomAD compares: Middle Eastern, 0.033%; no homozygotes.

Submissions (6):

Women's Health and Genetics/Laboratory Corporation of America, LabCorp
Classification: Uncertain significance. Last evaluated: 2026-01-05. Review status: criteria provided, single submitter. Criteria: LabCorp Variant Classification Summary - May 2015. Collection method: clinical testing. Allele origin: germline.
Comment: Variant summary: TTN c.1364C>T (p.Thr455Met) results in a non-conservative amino acid change located in the Z-disk of the encoded protein sequence. Algorithms developed to predict the effect of missense changes on protein structure and function are either unavailable or do not agree on the potential impact of this missense change. The variant allele was found at a frequency of 1.2e-05 in 251372 control chromosomes. The available data on variant occurrences in the general population are insufficient to allow any conclusion about variant significance. c.1364C>T has been observed in an individual affected with cerebral palsy (example: Pingel_2019). This report does not provide unequivocal conclusions about association of the variant with Autosomal Recessive Titinopathy. To our knowledge, no experimental evidence demonstrating an impact on protein function has been reported. The following publication has been ascertained in the context of this evaluation (PMID: 30467950). ClinVar contains an entry for this variant (Variation ID: 592878). Based on the evidence outlined above, the variant was classified as uncertain significance.

Center for Genomic Medicine, Rigshospitalet, Copenhagen University Hospital
Classification: Uncertain significance. Last evaluated: 2025-03-04. Review status: criteria provided, single submitter. Criteria: ACMG Guidelines, 2015. Collection method: clinical testing. Allele origin: germline.

Revvity Omics, Revvity
Classification: Uncertain significance. Last evaluated: 2024-06-27. Review status: criteria provided, single submitter. Criteria: ACMG Guidelines, 2015. Collection method: clinical testing. Allele origin: germline.

CHEO Genetics Diagnostic Laboratory, Children's Hospital of Eastern Ontario
Classification: Likely benign for Cardiomyopathy. Last evaluated: 2022-03-17. Review status: criteria provided, single submitter. Criteria: ACMG Guidelines, 2015. Collection method: clinical testing. Allele origin: germline.

Ambry Genetics
Classification: Uncertain significance for Cardiovascular phenotype. Last evaluated: 2019-05-17. Review status: criteria provided, single submitter. Criteria: Ambry Variant Classification Scheme 2023. Collection method: clinical testing. Allele origin: germline.
Comment: The p.T455M variant (also known as c.1364C>T), located in coding exon 7 of the TTN gene, results from a C to T substitution at nucleotide position 1364. The threonine at codon 455 is replaced by methionine, an amino acid with similar properties. This amino acid position is poorly conserved in available vertebrate species. In addition, this alteration is predicted to be tolerated by in silico analysis. Since supporting evidence is limited at this time, the clinical significance of this alteration remains unclear.

Eurofins Ntd Llc (ga)
Classification: Uncertain significance. Last evaluated: 2017-10-13. Review status: criteria provided, single submitter. Criteria: EGL Classification Definitions 2015. Collection method: clinical testing. Allele origin: germline. Observed: 3 variant alleles, 3 heterozygotes.

Literature cited by the submitters: PubMed 30467950 (cited by Women's Health and Genetics/Laboratory Corporation of America, LabCorp).